The following is an entry in ClinVar:

ClinVar aggregate classification (germline): Uncertain significance (1 of 4 stars; one submission).

gnomAD v4.1: 1 of 1,601,066 alleles (0.000062%); highest among the groups gnomAD compares: South Asian, 0.0011%; no homozygotes.

Submission:

GeneDx
Classification: Uncertain significance. Last evaluated: 2026-04-23. Review status: criteria provided, single submitter. Criteria: GeneDx Variant Classification Process June 2021. Collection method: clinical testing. Allele origin: germline.
Comment: Not observed at significant frequency in large population cohorts (gnomAD); In silico analysis supports that this missense variant has a deleterious effect on protein structure/function; Has not been previously published as pathogenic or benign to our knowledge

NM_001321571.2(CAMK2D):c.1099A>T (p.Ser367Cys)

Gene: CAMK2D (calcium/calmodulin dependent protein kinase II delta; minus strand). Cytogenetic location: 4q26.
Variant type: single nucleotide variant.
Coding change: c.1099A>T on transcript NM_001321571.2 (MANE Select); coding-DNA position 1099, A replaced by T.
Protein change: p.Ser367Cys; replaces serine 367 with cysteine.
Molecular consequence: missense variant.
Genome position (GRCh38, 1-based): chr4:113,500,499, T>A on the plus strand (A>T on the coding strand, the complement: CAMK2D is on the minus strand). VCF-style: chr4-113500499-T-A. GRCh37 (hg19) VCF-style: chr4-114421655-T-A.
Other names: c.880A>T, p.Ser294Cys (NM_001399859.1, NM_001399860.1, NM_001399861.1); c.877A>T, p.Ser293Cys (NM_001399862.1); c.712A>T, p.Ser238Cys (NM_001399863.1); c.607A>T, p.Ser203Cys (NM_001399864.1); c.409A>T, p.Ser137Cys (NM_001399865.1); c.1039A>T, p.Ser347Cys (NM_172114.2, NM_001321566.2, NM_001321583.2 and 4 more transcripts); c.997A>T, p.Ser333Cys (NM_172115.3, NM_172127.3, NM_172128.3 and 2 more transcripts); c.1030A>T, p.Ser344Cys (NM_172129.2, NM_001321582.2, NM_001396965.1); and 9 more; short protein forms S137C, S151C, S203C, S238C, S293C, S294C, S308C, S332C.
Identifiers: ClinVar variation 5037602 (VCV005037602.1).